The following is an entry in ClinVar:

ClinVar aggregate classification (germline): Pathogenic/Likely pathogenic. Review status: criteria provided, multiple submitters, no conflicts (2 of 4 stars). 2 submissions from 2 submitters: Pathogenic (1); Likely pathogenic (1). Last evaluated 2024-10-16.

Conditions:
Nephronophthisis. Also called: Juvenile Nephronophthisis. Identifiers: Orphanet 655, MedGen C0687120, MONDO:0019005, HP:0000090.
Renal-hepatic-pancreatic dysplasia 1 (RHPD1). Identifiers: MedGen C3715199, MONDO:0008833, OMIM 208540.
Nephronophthisis 3 (NPHP3). Also called: Adolescent nephronophthisis. Identifiers: Orphanet 655, MedGen C1858392, MONDO:0011456, OMIM 604387.
NPHP3-related Meckel-like syndrome. Also called: GOLDSTON SYNDROME; Meckel syndrome type 7. Identifiers: Orphanet 3032, MedGen C2673885, MONDO:0009966, OMIM 267010.

Submissions (2):

Labcorp Genetics (formerly Invitae), Labcorp
Classification: Pathogenic for Nephronophthisis. Last evaluated: 2024-10-16. Review status: criteria provided, single submitter. Criteria: Invitae Variant Classification Sherloc (09022015). Collection method: clinical testing. Allele origin: germline.
Comment: This sequence change creates a premature translational stop signal (p.Gln986Profs*24) in the NPHP3 gene. It is expected to result in an absent or disrupted protein product. Loss-of-function variants in NPHP3 are known to be pathogenic (PMID: 18371931, 23559409). This variant is not present in population databases (gnomAD no frequency). This variant has not been reported in the literature in individuals affected with NPHP3-related conditions. ClinVar contains an entry for this variant (Variation ID: 571434). For these reasons, this variant has been classified as Pathogenic.

Fulgent Genetics
Classification: Likely pathogenic for Renal-hepatic-pancreatic dysplasia 1; NPHP3-related Meckel-like syndrome; Nephronophthisis 3. Last evaluated: 2024-04-03. Review status: criteria provided, single submitter. Criteria: ACMG Guidelines, 2015. Collection method: clinical testing. Allele origin: germline.

Literature cited by the submitters: PubMed 18371931 (cited by Labcorp Genetics (formerly Invitae), Labcorp); PubMed 23559409 (cited by Labcorp Genetics (formerly Invitae), Labcorp).

NM_153240.5(NPHP3):c.2956dup (p.Gln986fs)

Genes: NPHP3 (nephrocystin 3; minus strand), NPHP3-ACAD11 (NPHP3-ACAD11 readthrough (NMD candidate); minus strand). Cytogenetic location: 3q22.1.
Variant type: Duplication.
Coding change: c.2956dup on transcript NM_153240.5 (MANE Select); coding-DNA position 2956, one base duplicated (C; older notation c.2956dupC).
Protein change: p.Gln986fs; shifts the reading frame from glutamine 986.
Molecular consequence: frameshift variant. On other transcripts: non-coding transcript variant (1).
Genome position (GRCh38, 1-based): chr3:132,688,819, G duplicated on the plus strand (C on the coding strand, the reverse complement: NPHP3 is on the minus strand); the first of 3 consecutive G bases (chr3:132,688,819-132,688,821); duplicating any one gives the same sequence. VCF-style (leftmost placement, unchanged base first): chr3-132688818-T-TG. GRCh37 (hg19) VCF-style: chr3-132407662-T-TG.
Other names: c.2956dupC (NM_153240.4); short protein forms Q986fs.
Identifiers: ClinVar variation 571434 (VCV000571434.9), dbSNP rs1560002147, ClinGen allele CA891842483.